The following is an entry in ClinVar:

NM_001378477.3(NYX):c.872G>C (p.Gly291Ala)

Gene: NYX (nyctalopin; plus strand). Cytogenetic location: Xp11.4.
Variant type: single nucleotide variant.
Coding change: c.872G>C on transcript NM_001378477.3 (MANE Select); coding-DNA position 872, G replaced by C.
Protein change: p.Gly291Ala; replaces glycine 291 with alanine.
Molecular consequence: missense variant.
Genome position (GRCh38, 1-based): chrX:41,474,340, G>C. VCF-style: chrX-41474340-G-C. GRCh37 (hg19) VCF-style: chrX-41333593-G-C.
Other names: c.872G>C, p.Gly291Ala (NM_022567.3); short protein forms G291A.
Identifiers: ClinVar variation 3010304 (VCV003010304.3), dbSNP rs1158374285, ClinGen allele CA412991533.

ClinVar aggregate classification (germline): Uncertain significance (1 of 4 stars; one submission).

Allele frequency attached by ClinVar (database versions not stated): gnomAD 0.00001; TOPMed 0.00001.
gnomAD v4.1: 3 of 1,207,386 alleles (0.00025%); highest among the groups gnomAD compares: African/African-American, 0.0052%; no homozygotes.

Submission:

Labcorp Genetics (formerly Invitae), Labcorp
Classification: Uncertain significance. Last evaluated: 2023-02-06. Review status: criteria provided, single submitter. Criteria: Invitae Variant Classification Sherloc (09022015). Collection method: clinical testing. Allele origin: germline.
Comment: In summary, the available evidence is currently insufficient to determine the role of this variant in disease. Therefore, it has been classified as a Variant of Uncertain Significance. Advanced modeling of protein sequence and biophysical properties (such as structural, functional, and spatial information, amino acid conservation, physicochemical variation, residue mobility, and thermodynamic stability) performed at Invitae indicates that this missense variant is not expected to disrupt NYX protein function. This variant has not been reported in the literature in individuals affected with NYX-related conditions. This variant is not present in population databases (gnomAD no frequency). This sequence change replaces glycine, which is neutral and non-polar, with alanine, which is neutral and non-polar, at codon 296 of the NYX protein (p.Gly296Ala).